The following is an entry in ClinVar:

NM_015570.4(AUTS2):c.3624CAA[1] (p.Asn1209del)

Gene: AUTS2 (activator of transcription and developmental regulator AUTS2; plus strand). Cytogenetic location: 7q11.22.
Variant type: Microsatellite.
Coding change: c.3624CAA[1] on transcript NM_015570.4 (MANE Select); one copy of the 3-base unit CAA starting at c.3624; the reference has two copies in a row; one copy, 3 bases deleted.
Protein change: p.Asn1209del; deletes asparagine 1209.
Genome position (GRCh38, 1-based): chr7:70,790,843-70,790,845, CAA deleted; deleting any 3 consecutive bases within chr7:70,790,840-70,790,845 gives the same sequence; the position shown is the placement nearest the transcript's 3' end. VCF-style (leftmost placement, unchanged base first): chr7-70790839-TCAA-T. GRCh37 (hg19) VCF-style: chr7-70255825-TCAA-T.
Other names: c.3552CAA[1], p.Asn1185del (NM_001127231.3); short protein forms N1185del, N1209del.
Identifiers: ClinVar variation 3391507 (VCV003391507.2).

ClinVar aggregate classification (germline): Uncertain significance (1 of 4 stars; one submission).

Submission:

GeneDx
Classification: Uncertain significance. Last evaluated: 2025-02-26. Review status: criteria provided, single submitter. Criteria: GeneDx Variant Classification Process June 2021. Collection method: clinical testing. Allele origin: germline.
Comment: In-frame deletion of 1 amino acid(s) in a non-repeat region; In silico analysis supports a deleterious effect on protein structure/function; Has not been previously published as pathogenic or benign to our knowledge